The following is an entry in ClinVar:

NM_182643.3(DLC1):c.769T>A (p.Phe257Ile)

Gene: DLC1 (DLC1 Rho GTPase activating protein; minus strand). Cytogenetic location: 8p22.
Variant type: single nucleotide variant.
Coding change: c.769T>A on transcript NM_182643.3 (MANE Select); coding-DNA position 769, T replaced by A.
Protein change: p.Phe257Ile; replaces phenylalanine 257 with isoleucine.
Molecular consequence: missense variant. On other transcripts: 5 prime UTR variant (1).
Genome position (GRCh38, 1-based): chr8:13,499,303, A>T on the plus strand (T>A on the coding strand, the complement: DLC1 is on the minus strand). VCF-style: chr8-13499303-A-T. GRCh37 (hg19) VCF-style: chr8-13356812-A-T.
Other names: c.769T>A, p.Phe257Ile (NM_001348081.2, NM_001413124.1, NM_001413125.1 and 1 more transcripts); c.-683T>A (NM_001348082.2); short protein forms F257I.
Identifiers: ClinVar variation 2071154 (VCV002071154.8), dbSNP rs146692656, ClinGen allele CA4639408.

ClinVar aggregate classification (germline): Conflicting classifications of pathogenicity. Review status: criteria provided, conflicting classifications (1 of 4 stars). 4 submissions from 4 submitters: Uncertain significance (2); Likely benign (1). 1 of the submissions does not count toward it. Last evaluated 2025-12-22.

Conditions:
Colorectal cancer. Also called: Colorectal cancer, somatic; Malignant Colorectal Neoplasm. Identifiers: MedGen C0346629, MONDO:0005575, OMIM 114500.
DLC1-related disorder. Also called: DLC1-related condition.

Allele frequency attached by ClinVar (database versions not stated): 1000 Genomes Project 30x 0.00078; 1000 Genomes Project 0.00080; TOPMed 0.00090; gnomAD exomes 0.00007; ExAC 0.00015; ESP Exome Variant Server 0.00038; gnomAD 0.00071.
gnomAD v4.1: 209 of 1,614,022 alleles (0.013%); highest among the groups gnomAD compares: African/African-American, 0.23%; no homozygotes.

Submissions (4):

Labcorp Genetics (formerly Invitae), Labcorp
Classification: Uncertain significance. Last evaluated: 2025-12-22. Review status: criteria provided, single submitter. Criteria: Invitae Variant Classification Sherloc (09022015). Collection method: clinical testing. Allele origin: germline.
Comment: This sequence change replaces phenylalanine, which is neutral and non-polar, with isoleucine, which is neutral and non-polar, at codon 257 of the DLC1 protein (p.Phe257Ile). This variant is present in population databases (rs146692656, gnomAD 0.2%), and has an allele count higher than expected for a pathogenic variant. This variant has not been reported in the literature in individuals affected with DLC1-related conditions. ClinVar contains an entry for this variant (Variation ID: 2071154). An algorithm developed to predict the effect of missense changes on protein structure and function (PolyPhen-2) suggests that this variant is likely to be tolerated. In summary, the available evidence is currently insufficient to determine the role of this variant in disease. Therefore, it has been classified as a Variant of Uncertain Significance.

Fulgent Genetics
Classification: Likely benign for Colorectal cancer. Last evaluated: 2024-03-08. Review status: criteria provided, single submitter. Criteria: ACMG Guidelines, 2015. Collection method: clinical testing. Allele origin: germline.

Ambry Genetics
Classification: Uncertain significance. Last evaluated: 2021-10-20. Review status: criteria provided, single submitter. Criteria: Ambry Variant Classification Scheme 2023. Collection method: clinical testing. Allele origin: germline.

PreventionGenetics, part of Exact Sciences
Classification: Likely benign for DLC1-related condition. Last evaluated: 2022-07-08. Review status: no assertion criteria provided. Collection method: clinical testing. Allele origin: germline. Not counted in ClinVar's aggregate classification.
Comment: This variant is classified as likely benign based on ACMG/AMP sequence variant interpretation guidelines (Richards et al. 2015 PMID: 25741868, with internal and published modifications).